The following is an entry in ClinVar:

ClinVar aggregate classification (germline): Uncertain significance (1 of 4 stars; one submission).

Conditions:
Hereditary cancer-predisposing syndrome. Also called: Hereditary Cancer Syndrome; Neoplastic Syndromes, Hereditary; Tumor predisposition; Hereditary neoplastic syndrome. Identifiers: Orphanet 140162, MedGen C0027672, MeSH D009386, MONDO:0015356.

Submission:

Ambry Genetics
Classification: Uncertain significance for Hereditary cancer-predisposing syndrome. Last evaluated: 2022-02-12. Review status: criteria provided, single submitter. Criteria: Ambry Variant Classification Scheme 2023. Collection method: clinical testing. Allele origin: germline.
Comment: The p.M1628T variant (also known as c.4883T>C), located in coding exon 31 of the ATM gene, results from a T to C substitution at nucleotide position 4883. The methionine at codon 1628 is replaced by threonine, an amino acid with similar properties. This amino acid position is conserved. In addition, the in silico prediction for this alteration is inconclusive. Since supporting evidence is limited at this time, the clinical significance of this alteration remains unclear.

NM_000051.4(ATM):c.4883T>C (p.Met1628Thr)

Gene: ATM (ATM serine/threonine kinase; plus strand). Cytogenetic location: 11q22.3.
Variant type: single nucleotide variant.
Coding change: c.4883T>C on transcript NM_000051.4 (MANE Select); coding-DNA position 4883, T replaced by C.
Protein change: p.Met1628Thr; replaces methionine 1628 with threonine.
Molecular consequence: missense variant.
Genome position (GRCh38, 1-based): chr11:108,295,033, T>C. VCF-style: chr11-108295033-T-C. GRCh37 (hg19) VCF-style: chr11-108165760-T-C.
Other names: c.4883T>C, p.Met1628Thr (NM_001351834.2); short protein forms M1628T.
Identifiers: ClinVar variation 1743802 (VCV001743802.2), dbSNP rs2546943968, ClinGen allele CA382537178.
Genomic context (GRCh38, chr11:108,295,033, plus strand): 5'-TGACAAGACTTGAAGGACTAAAGGATCTTCGAAGACAACTGGAACTACATAAAGATCAGA[T>C]GGTGGACATTATGAGAGCTTCTCAGGGTGCTAATTTTAAATGACATGGGCTATTTCTACC-3'
Protein context (NP_000042.3, residues 1618-1638): RRQLELHKDQ[Met1628Thr]VDIMRASQDN